The following is an entry in ClinVar:

NM_000944.5(PPP3CA):c.1421A>C (p.Lys474Thr)

Gene: PPP3CA (protein phosphatase 3 catalytic subunit alpha; minus strand). Cytogenetic location: 4q24.
Variant type: single nucleotide variant.
Coding change: c.1421A>C on transcript NM_000944.5 (MANE Select); coding-DNA position 1421, A replaced by C.
Protein change: p.Lys474Thr; replaces lysine 474 with threonine.
Molecular consequence: missense variant.
Genome position (GRCh38, 1-based): chr4:101,026,010, T>G on the plus strand (A>C on the coding strand, the complement: PPP3CA is on the minus strand). VCF-style: chr4-101026010-T-G. GRCh37 (hg19) VCF-style: chr4-101947167-T-G.
Other names: c.1391A>C, p.Lys464Thr (NM_001130691.2); c.1265A>C, p.Lys422Thr (NM_001130692.2); short protein forms K422T, K464T, K474T.
Identifiers: ClinVar variation 2430447 (VCV002430447.1), dbSNP rs2476197467, ClinGen allele CA357947734.

ClinVar aggregate classification (germline): Uncertain significance (1 of 4 stars; one submission).

Submission:

GeneDx
Classification: Uncertain significance. Last evaluated: 2022-08-22. Review status: criteria provided, single submitter. Criteria: GeneDx Variant Classification Process June 2021. Collection method: clinical testing. Allele origin: germline. Affected: yes.
Comment: Not observed at significant frequency in large population cohorts (gnomAD); In silico analysis supports that this missense variant has a deleterious effect on protein structure/function; Has not been previously published as pathogenic or benign to our knowledge